The following is an entry in ClinVar:

NM_052876.4(NACC1):c.710C>T (p.Ala237Val)

Gene: NACC1 (nucleus accumbens associated 1; plus strand). Cytogenetic location: 19p13.13.
Variant type: single nucleotide variant.
Coding change: c.710C>T on transcript NM_052876.4 (MANE Select); coding-DNA position 710, C replaced by T.
Protein change: p.Ala237Val; replaces alanine 237 with valine.
Molecular consequence: missense variant.
Genome position (GRCh38, 1-based): chr19:13,135,917, C>T. VCF-style: chr19-13135917-C-T. GRCh37 (hg19) VCF-style: chr19-13246731-C-T.
Other names: short protein forms A237V.
Identifiers: ClinVar variation 714007 (VCV000714007.13), dbSNP rs201985022, ClinGen allele CA9238311.

ClinVar aggregate classification (germline): Benign. Review status: criteria provided, multiple submitters, no conflicts (2 of 4 stars). 3 submissions from 3 submitters: Benign (2). 1 of the submissions does not count toward it. Last evaluated 2026-01-05.

Conditions:
NACC1-related disorder. Also called: NACC1-related condition.

Allele frequency attached by ClinVar (database versions not stated): gnomAD 0.00135 and 0.00206; gnomAD exomes 0.00157 and 0.00439; TOPMed 0.00233; 1000 Genomes Project 30x 0.00703; 1000 Genomes Project 0.00839; ExAC 0.00943.
gnomAD v4.1: 2,567 of 1,573,260 alleles (0.16%); highest among the groups gnomAD compares: East Asian, 5%; 64 homozygotes.

Submissions (3):

Labcorp Genetics (formerly Invitae), Labcorp
Classification: Benign. Last evaluated: 2026-01-05. Review status: criteria provided, single submitter. Criteria: Invitae Variant Classification Sherloc (09022015). Collection method: clinical testing. Allele origin: germline.

Breakthrough Genomics
Classification: Benign. Review status: criteria provided, single submitter. Criteria: ACMG Guidelines, 2015. Collection method: not provided. Allele origin: germline. Inheritance: Autosomal dominant inheritance. Affected: yes.

PreventionGenetics, part of Exact Sciences
Classification: Benign for NACC1-related condition. Last evaluated: 2021-07-13. Review status: no assertion criteria provided. Collection method: clinical testing. Allele origin: germline. Not counted in ClinVar's aggregate classification.
Comment: This variant is classified as benign based on ACMG/AMP sequence variant interpretation guidelines (Richards et al. 2015 PMID: 25741868, with internal and published modifications).